The following is an entry in ClinVar:

ClinVar aggregate classification (germline): Pathogenic. Review status: criteria provided, multiple submitters, no conflicts (2 of 4 stars). 4 submissions from 4 submitters: Pathogenic (4). Last evaluated 2025-04-02.

Conditions:
Charcot-Marie-Tooth disease. Also called: Charcot-Marie-Tooth Hereditary Neuropathy; Charcot-Marie-Tooth Neuropathy. Identifiers: Orphanet 166, MedGen C0007959, MONDO:0015626.
Charcot-Marie-Tooth disease, type I (CMT1). Also called: Charcot-Marie-Tooth, Type 1; Charcot-Marie-Tooth disease type 1. Identifiers: Orphanet 65753, MedGen C0751036, MONDO:0019011.

Submissions (4):

Labcorp Genetics (formerly Invitae), Labcorp
Classification: Pathogenic for Charcot-Marie-Tooth disease, type I. Last evaluated: 2025-04-02. Review status: criteria provided, single submitter. Criteria: Invitae Variant Classification Sherloc (09022015). Collection method: clinical testing. Allele origin: germline.
Comment: This sequence change creates a premature translational stop signal (p.Cys109*) in the PMP22 gene. While this is not anticipated to result in nonsense mediated decay, it is expected to disrupt the last 52 amino acid(s) of the PMP22 protein. This variant is not present in population databases (gnomAD no frequency). This premature translational stop signal has been observed in individual(s) with neuropathy (PMID: 15099590, 22131320). It has also been observed to segregate with disease in related individuals. ClinVar contains an entry for this variant (Variation ID: 217237). For these reasons, this variant has been classified as Pathogenic.

Athena Diagnostics
Classification: Pathogenic. Last evaluated: 2025-01-29. Review status: criteria provided, single submitter. Criteria: Athena Diagnostics Criteria. Collection method: clinical testing. Allele origin: unknown.
Comment: This variant is not expected to cause loss of protein expression through nonsense-mediated decay. However, it disrupts a substantial portion of the protein, and therefore, is expected to disrupt its function. This variant has not been reported in large, multi-ethnic general populations. This variant has been identified in at least one individual with clinical features of autosomal dominant Charcot-Marie-Tooth disease type 1 (CMT1) and segregates with disease in at least one family.

GeneDx
Classification: Pathogenic. Last evaluated: 2019-07-17. Review status: criteria provided, single submitter. Criteria: GeneDx Variant Classification Process June 2021. Collection method: clinical testing. Allele origin: germline. Affected: yes.
Comment: Not observed in large population cohorts (Lek et al., 2016); This variant is associated with the following publications: (PMID: 23224996, 15099590, 22131320, 32376792)

Molecular Genetics Laboratory, London Health Sciences Centre
Classification: Pathogenic for Charcot-Marie-Tooth disease. Review status: criteria provided, single submitter. Criteria: ACMG Guidelines, 2015. Collection method: clinical testing. Allele origin: germline. Affected: yes.

Literature cited by the submitters: PubMed 15099590 (cited by Labcorp Genetics (formerly Invitae), Labcorp and Athena Diagnostics); PubMed 22131320 (cited by Labcorp Genetics (formerly Invitae), Labcorp and Athena Diagnostics); PubMed 32376792 (cited by Athena Diagnostics).

NM_000304.4(PMP22):c.327C>A (p.Cys109Ter)

Gene: PMP22 (peripheral myelin protein 22; minus strand). Cytogenetic location: 17p12.
Variant type: single nucleotide variant.
Coding change: c.327C>A on transcript NM_000304.4 (MANE Select); coding-DNA position 327, C replaced by A.
Protein change: p.Cys109Ter; replaces cysteine 109 with a stop codon.
Molecular consequence: nonsense. On other transcripts: non-coding transcript variant (2).
Genome position (GRCh38, 1-based): chr17:15,231,073, G>T on the plus strand (C>A on the coding strand, the complement: PMP22 is on the minus strand). VCF-style: chr17-15231073-G-T. GRCh37 (hg19) VCF-style: chr17-15134390-G-T.
Other names: c.327C>A, p.Cys109Ter (NM_001281455.2, NM_001281456.2, NM_153321.3 and 1 more transcripts); short protein forms C109*.
Identifiers: ClinVar variation 217237 (VCV000217237.11), dbSNP rs863225028, ClinGen allele CA279101.